The following is an entry in ClinVar:

NM_001330078.2(NRXN1):c.1538C>T (p.Pro513Leu)

Gene: NRXN1 (neurexin 1; minus strand). Cytogenetic location: 2p16.3.
Variant type: single nucleotide variant.
Coding change: c.1538C>T on transcript NM_001330078.2 (MANE Select); coding-DNA position 1538, C replaced by T.
Protein change: p.Pro513Leu; replaces proline 513 with leucine.
Molecular consequence: missense variant.
Genome position (GRCh38, 1-based): chr2:50,552,808, G>A on the plus strand (C>T on the coding strand, the complement: NRXN1 is on the minus strand). VCF-style: chr2-50552808-G-A. GRCh37 (hg19) VCF-style: chr2-50779946-G-A.
Other names: c.1658C>T, p.Pro553Leu (NM_001135659.3); c.1514C>T, p.Pro505Leu (NM_001330077.2, NM_001330082.2, NM_001330095.2); c.1499C>T, p.Pro500Leu (NM_001330083.2, NM_001330084.2); c.1538C>T, p.Pro513Leu (NM_001330085.2, NM_001330086.2, NM_004801.6); c.1454C>T, p.Pro485Leu (NM_001330087.2, NM_001330096.2); c.1484C>T, p.Pro495Leu (NM_001330088.2); c.1535C>T, p.Pro512Leu (NM_001330093.2); c.1526C>T, p.Pro509Leu (NM_001330094.2); short protein forms P485L, P495L, P500L, P505L, P509L, P512L, P513L, P553L.
Identifiers: ClinVar variation 3343954 (VCV003343954.2).

ClinVar aggregate classification (germline): Uncertain significance (1 of 4 stars; one submission).

gnomAD v4.1: 3 of 1,613,890 alleles (0.00019%); highest among the groups gnomAD compares: Non-Finnish European, 0.00025%; no homozygotes.

Submission:

GeneDx
Classification: Uncertain significance. Last evaluated: 2024-12-04. Review status: criteria provided, single submitter. Criteria: GeneDx Variant Classification Process June 2021. Collection method: clinical testing. Allele origin: germline.
Comment: Reported previously in one individual in a large cohort of patients with neurodevelopmental disorders (PMID: 33004838); Not observed at significant frequency in large population cohorts (gnomAD); In silico analysis supports that this missense variant has a deleterious effect on protein structure/function; This variant is associated with the following publications: (PMID: 33004838)